The following is an entry in ClinVar:

ClinVar aggregate classification (germline): Uncertain significance (1 of 4 stars; one submission).

Conditions:
FANCG-related disorder. Also called: FANCG-related condition.

Submission:

PreventionGenetics, part of Exact Sciences
Classification: Uncertain significance for FANCG-related condition. Last evaluated: 2022-12-30. Review status: criteria provided, single submitter. Criteria: ACMG Guidelines, 2015. Collection method: clinical testing. Allele origin: germline.
Comment: The FANCG c.938C>G variant is predicted to result in the amino acid substitution p.Pro313Arg. To our knowledge, this variant has not been reported in the literature or in a large population database, indicating this variant is rare. At this time, the clinical significance of this variant is uncertain due to the absence of conclusive functional and genetic evidence.

NM_004629.2(FANCG):c.938C>G (p.Pro313Arg)

Gene: FANCG (FA complementation group G; minus strand). Cytogenetic location: 9p13.3.
Variant type: single nucleotide variant.
Coding change: c.938C>G on transcript NM_004629.2 (MANE Select); coding-DNA position 938, C replaced by G.
Protein change: p.Pro313Arg; replaces proline 313 with arginine.
Molecular consequence: missense variant.
Genome position (GRCh38, 1-based): chr9:35,076,570, G>C on the plus strand (C>G on the coding strand, the complement: FANCG is on the minus strand). VCF-style: chr9-35076570-G-C. GRCh37 (hg19) VCF-style: chr9-35076567-G-C.
Other names: short protein forms P313R.
Identifiers: ClinVar variation 2629789 (VCV002629789.1), dbSNP rs2490401714, ClinGen allele CA373311265.